The following is an entry in ClinVar:

NM_138395.4(MARS2):c.863C>G (p.Thr288Ser)

Gene: MARS2 (methionyl-tRNA synthetase 2, mitochondrial; plus strand). Cytogenetic location: 2q33.1.
Variant type: single nucleotide variant.
Coding change: c.863C>G on transcript NM_138395.4 (MANE Select); coding-DNA position 863, C replaced by G.
Protein change: p.Thr288Ser; replaces threonine 288 with serine.
Molecular consequence: missense variant.
Genome position (GRCh38, 1-based): chr2:197,706,268, C>G. VCF-style: chr2-197706268-C-G. GRCh37 (hg19) VCF-style: chr2-198570992-C-G.
Other names: short protein forms T288S.
Identifiers: ClinVar variation 3764270 (VCV003764270.1).

ClinVar aggregate classification (germline): Uncertain significance (1 of 4 stars; one submission).

gnomAD v4.1: 5 of 1,614,116 alleles (0.00031%); highest among the groups gnomAD compares: African/African-American, 0.0053%; no homozygotes.

Submission:

GeneDx
Classification: Uncertain significance. Last evaluated: 2024-08-19. Review status: criteria provided, single submitter. Criteria: GeneDx Variant Classification Process June 2021. Collection method: clinical testing. Allele origin: germline. Affected: yes.
Comment: Not observed at significant frequency in large population cohorts (gnomAD); In silico analysis supports that this missense variant has a deleterious effect on protein structure/function; Has not been previously published as pathogenic or benign to our knowledge